The following is an entry in ClinVar:

ClinVar aggregate classification (germline): Likely pathogenic (1 of 4 stars; one submission).

Conditions:
Young-onset Parkinson disease. Identifiers: Orphanet 2828, MedGen C4275179, MONDO:0017279.

Submission:

Laboratory for Molecular Medicine, Mass General Brigham Personalized Medicine
Classification: Likely pathogenic for Young-onset Parkinson disease. Last evaluated: 2020-08-11. Review status: criteria provided, single submitter. Criteria: ACMG Guidelines, 2015. Collection method: clinical testing. Allele origin: germline.
Comment: The p.Trp373X variant in VPS13C has not been reported in individuals with disease and was absent from large population studies. This nonsense variant leads to a premature termination codon at position 373, which is predicted to lead to a truncated or absent protein. Loss of function of the VPS13C gene has been recently associated with autosomal recessive early onset parkinsonism (Schormair 2018; Lesage 2016; Darvish 2018). In summary, although additional studies are required to fully establish its clinical significance, this variant meets criteria to be classified as likely pathogenic for autosomal recessive parkinsonism. ACMG/AMP Criteria applied: PM2, PVS1_Strong.

NM_020821.3(VPS13C):c.1119G>A (p.Trp373Ter)

Gene: VPS13C (vacuolar protein sorting 13 homolog C; minus strand). Cytogenetic location: 15q22.2.
Variant type: single nucleotide variant.
Coding change: c.1119G>A on transcript NM_020821.3 (MANE Select); coding-DNA position 1119, G replaced by A.
Protein change: p.Trp373Ter; replaces tryptophan 373 with a stop codon.
Molecular consequence: nonsense.
Genome position (GRCh38, 1-based): chr15:62,007,479, C>T on the plus strand (G>A on the coding strand, the complement: VPS13C is on the minus strand). VCF-style: chr15-62007479-C-T. GRCh37 (hg19) VCF-style: chr15-62299678-C-T.
Other names: c.1119G>A, p.Trp373Ter (NM_001018088.3); c.990G>A, p.Trp330Ter (NM_017684.5, NM_018080.4); short protein forms W330*, W373*.
Identifiers: ClinVar variation 3075815 (VCV003075815.1), dbSNP rs2046893100, ClinGen allele CA392688175.